The following is an entry in ClinVar:

ClinVar aggregate classification (germline): Uncertain significance. Review status: criteria provided, multiple submitters, no conflicts (2 of 4 stars). 3 submissions from 3 submitters: Uncertain significance (3). Last evaluated 2026-07-07.

Conditions:
BAP1-related tumor predisposition syndrome (TPDS1). Also called: BAP1 tumor predisposition syndrome; COMMON Syndrome; TUMOR PREDISPOSITION SYNDROME 1; Tumor susceptibility linked to germline BAP1 mutations. Identifiers: Orphanet 289539, MedGen C3280492, MONDO:0013692, OMIM 614327.
Hereditary cancer-predisposing syndrome. Also called: Neoplastic Syndromes, Hereditary; Hereditary Cancer Syndrome; Tumor predisposition; Hereditary neoplastic syndrome. Identifiers: Orphanet 140162, MedGen C0027672, MeSH D009386, MONDO:0015356.

Submissions (3):

Ambry Genetics
Classification: Uncertain significance for Hereditary cancer-predisposing syndrome. Last evaluated: 2026-07-07. Review status: criteria provided, single submitter. Criteria: Ambry Variant Classification Scheme 2023. Collection method: clinical testing. Allele origin: germline.
Comment: The p.H326L variant (also known as c.977A>T), located in coding exon 11 of the BAP1 gene, results from an A to T substitution at nucleotide position 977. The histidine at codon 326 is replaced by leucine, an amino acid with similar properties. This amino acid position is conserved. In addition, this alteration is predicted to be tolerated by in silico analysis. Based on the available evidence, the clinical significance of this variant remains unclear.

Labcorp Genetics (formerly Invitae), Labcorp
Classification: Uncertain significance for BAP1-related tumor predisposition syndrome. Last evaluated: 2025-07-16. Review status: criteria provided, single submitter. Criteria: Invitae Variant Classification Sherloc (09022015). Collection method: clinical testing. Allele origin: germline.
Comment: This sequence change replaces histidine, which is basic and polar, with leucine, which is neutral and non-polar, at codon 326 of the BAP1 protein (p.His326Leu). This variant is not present in population databases (gnomAD no frequency). This variant has not been reported in the literature in individuals affected with BAP1-related conditions. ClinVar contains an entry for this variant (Variation ID: 920337). Invitae Evidence Modeling of protein sequence and biophysical properties (such as structural, functional, and spatial information, amino acid conservation, physicochemical variation, residue mobility, and thermodynamic stability) indicates that this missense variant is not expected to disrupt BAP1 protein function with a negative predictive value of 80%. In summary, the available evidence is currently insufficient to determine the role of this variant in disease. Therefore, it has been classified as a Variant of Uncertain Significance.

Color Diagnostics, LLC DBA Color Health
Classification: Uncertain significance for Hereditary cancer-predisposing syndrome. Last evaluated: 2024-03-06. Review status: criteria provided, single submitter. Criteria: ACMG Guidelines, 2015. Collection method: clinical testing. Allele origin: germline.
Comment: This missense variant replaces histidine with leucine at codon 326 of the BAP1 protein. Computational prediction suggests that this variant may not impact protein structure and function (internally defined REVEL score threshold <= 0.5, PMID: 27666373). Splice site prediction tools suggest that this variant may not impact RNA splicing. To our knowledge, functional studies have not been performed for this variant. This variant has not been reported in individuals affected with hereditary cancer in the literature. This variant has not been identified in the general population by the Genome Aggregation Database (gnomAD). The available evidence is insufficient to determine the role of this variant in disease conclusively. Therefore, this variant is classified as a Variant of Uncertain Significance.

NM_004656.4(BAP1):c.977A>T (p.His326Leu)

Gene: BAP1 (BRCA1 associated deubiquitinase 1; minus strand). Cytogenetic location: 3p21.1.
Variant type: single nucleotide variant.
Coding change: c.977A>T on transcript NM_004656.4 (MANE Select); coding-DNA position 977, A replaced by T.
Protein change: p.His326Leu; replaces histidine 326 with leucine.
Molecular consequence: missense variant.
Genome position (GRCh38, 1-based): chr3:52,405,249, T>A on the plus strand (A>T on the coding strand, the complement: BAP1 is on the minus strand). VCF-style: chr3-52405249-T-A. GRCh37 (hg19) VCF-style: chr3-52439265-T-A.
Other names: c.977A>T (NM_004656.2); short protein forms H326L.
Identifiers: ClinVar variation 920337 (VCV000920337.8), dbSNP rs1459459390, ClinGen allele CA353106141.